The following is an entry in ClinVar:

ClinVar aggregate classification (germline): Conflicting classifications of pathogenicity. Review status: criteria provided, conflicting classifications (1 of 4 stars). 3 submissions from 3 submitters: Uncertain significance (2); Likely benign (1). Last evaluated 2025-08-18.

Conditions:
Bethlem myopathy 2 (BTHLM2). Identifiers: Orphanet 536516, Orphanet 610, MedGen C4225313, MONDO:0034022, OMIM 616471.
Ullrich congenital muscular dystrophy 2 (UCMD2). Identifiers: Orphanet 75840, MedGen C4225314, MONDO:0014654, OMIM 616470.

Allele frequency attached by ClinVar (database versions not stated): gnomAD 0.00006; ExAC 0.00003; TOPMed 0.00005; 1000 Genomes Project 30x 0.00016.
gnomAD v4.1: 23 of 1,612,194 alleles (0.0014%); highest among the groups gnomAD compares: African/African-American, 0.012%; no homozygotes.

Submissions (3):

Mayo Clinic Laboratories, Mayo Clinic
Classification: Uncertain significance. Last evaluated: 2025-08-18. Review status: criteria provided, single submitter. Criteria: ACMG Guidelines, 2015. Collection method: clinical testing. Allele origin: germline. Observed: 1 variant allele.
Comment: BP4

Labcorp Genetics (formerly Invitae), Labcorp
Classification: Likely benign for Bethlem myopathy 2; Ullrich congenital muscular dystrophy 2. Last evaluated: 2025-07-27. Review status: criteria provided, single submitter. Criteria: Invitae Variant Classification Sherloc (09022015). Collection method: clinical testing. Allele origin: germline.

GeneDx
Classification: Uncertain significance. Last evaluated: 2024-04-07. Review status: criteria provided, single submitter. Criteria: GeneDx Variant Classification Process June 2021. Collection method: clinical testing. Allele origin: germline. Affected: yes.
Comment: Has not been previously published as pathogenic or benign to our knowledge; In silico analysis supports that this missense variant does not alter protein structure/function

NM_004370.6(COL12A1):c.4279C>T (p.Arg1427Cys)

Gene: COL12A1 (collagen type XII alpha 1 chain; minus strand). Cytogenetic location: 6q13.
Variant type: single nucleotide variant.
Coding change: c.4279C>T on transcript NM_004370.6 (MANE Select); coding-DNA position 4279, C replaced by T.
Protein change: p.Arg1427Cys; replaces arginine 1427 with cysteine.
Molecular consequence: missense variant.
Genome position (GRCh38, 1-based): chr6:75,148,366, G>A on the plus strand (C>T on the coding strand, the complement: COL12A1 is on the minus strand). VCF-style: chr6-75148366-G-A. GRCh37 (hg19) VCF-style: chr6-75858082-G-A.
Other names: p.Arg1427Cys; c.787C>T, p.Arg263Cys (NM_080645.3); short protein forms R1427C, R263C.
Identifiers: ClinVar variation 1320381 (VCV001320381.6), dbSNP rs779038394, ClinGen allele CA3893495.
Genomic context (GRCh38, chr6:75,148,366, plus strand): 5'-AGGACCCAATCTCAACATCAGGAAGAAGTAAGTTATAGGTGTTCCTACTCACTTCTTGAC[G>A]TTTCCCTCCAGAAACTGGATAGTATTCCACCTTATATCGATCCACACTGTCAGAAGGTGG-3'
Protein context (NP_004361.3, residues 1417-1437): VEYYPVSGGK[Arg1427Cys]QEFYVSRMET